The following is an entry in ClinVar:

NM_000944.5(PPP3CA):c.1492T>A (p.Ser498Thr)

Gene: PPP3CA (protein phosphatase 3 catalytic subunit alpha; minus strand). Cytogenetic location: 4q24.
Variant type: single nucleotide variant.
Coding change: c.1492T>A on transcript NM_000944.5 (MANE Select); coding-DNA position 1492, T replaced by A.
Protein change: p.Ser498Thr; replaces serine 498 with threonine.
Molecular consequence: missense variant.
Genome position (GRCh38, 1-based): chr4:101,025,939, A>T on the plus strand (T>A on the coding strand, the complement: PPP3CA is on the minus strand). VCF-style: chr4-101025939-A-T. GRCh37 (hg19) VCF-style: chr4-101947096-A-T.
Other names: c.1462T>A, p.Ser488Thr (NM_001130691.2); c.1336T>A, p.Ser446Thr (NM_001130692.2); short protein forms S446T, S488T, S498T.
Identifiers: ClinVar variation 1424286 (VCV001424286.8), dbSNP rs1726626866, ClinGen allele CA357947576.

ClinVar aggregate classification (germline): Uncertain significance (1 of 4 stars; one submission).

Allele frequency attached by ClinVar (database versions not stated): TOPMed below 0.00001.
gnomAD v4.1: 1 of 1,610,590 alleles (0.000062%); highest among the groups gnomAD compares: Non-Finnish European, 0.000085%; no homozygotes.

Submission:

Labcorp Genetics (formerly Invitae), Labcorp
Classification: Uncertain significance. Last evaluated: 2021-07-22. Review status: criteria provided, single submitter. Criteria: Invitae Variant Classification Sherloc (09022015). Collection method: clinical testing. Allele origin: germline.
Comment: In summary, the available evidence is currently insufficient to determine the role of this variant in disease. Therefore, it has been classified as a Variant of Uncertain Significance. Algorithms developed to predict the effect of missense changes on protein structure and function (SIFT, PolyPhen-2, Align-GVGD) all suggest that this variant is likely to be tolerated. This variant has not been reported in the literature in individuals affected with PPP3CA-related conditions. This variant is not present in population databases (ExAC no frequency). This sequence change replaces serine with threonine at codon 498 of the PPP3CA protein (p.Ser498Thr). The serine residue is moderately conserved and there is a small physicochemical difference between serine and threonine.